The following is an entry in ClinVar:

NM_001283009.2(RTEL1):c.1910del (p.Asn637fs)

Genes: RTEL1 (regulator of telomere elongation helicase 1; plus strand), RTEL1-TNFRSF6B (RTEL1-TNFRSF6B readthrough (NMD candidate); plus strand). Cytogenetic location: 20q13.33.
Variant type: Deletion.
Coding change: c.1910del on transcript NM_001283009.2 (MANE Select); coding-DNA position 1910, one base deleted (A; older notation c.1910delA).
Protein change: p.Asn637fs; shifts the reading frame from asparagine 637.
Molecular consequence: frameshift variant. On other transcripts: non-coding transcript variant (1).
Genome position (GRCh38, 1-based): chr20:63,689,533, A deleted; the last of 2 consecutive A bases (chr20:63,689,532-63,689,533); deleting either gives the same sequence. VCF-style (leftmost placement, unchanged base first): chr20-63689531-GA-G. GRCh37 (hg19) VCF-style: chr20-62320884-GA-G.
Other names: c.1241del, p.Asn414fs (NM_001283010.1); c.1910del, p.Asn637fs (NM_016434.4); c.1982del, p.Asn661fs (NM_032957.5); short protein forms N414fs, N637fs, N661fs.
Identifiers: ClinVar variation 1904651 (VCV001904651.6), dbSNP rs2090675337, ClinGen allele CA2374930647.

ClinVar aggregate classification (germline): Pathogenic/Likely pathogenic. Review status: criteria provided, multiple submitters, no conflicts (2 of 4 stars). 2 submissions from 2 submitters: Pathogenic (1); Likely pathogenic (1). Last evaluated 2023-12-11.

Conditions:
Pulmonary fibrosis. Identifiers: MedGen C0034069, MONDO:0002771, HP:0002206.
Dyskeratosis congenita, autosomal recessive 5 (DKCB5). Identifiers: MedGen C3554656, MONDO:0014076, OMIM 615190.
Pulmonary fibrosis and/or bone marrow failure, Telomere-related, 3. Also called: PULMONARY FIBROSIS AND/OR BONE MARROW FAILURE SYNDROME, TELOMERE-RELATED, 3. Identifiers: Orphanet 2032, MedGen C4225346, MONDO:0014613, OMIM 616373.

Submissions (2):

Labcorp Genetics (formerly Invitae), Labcorp
Classification: Pathogenic for Dyskeratosis congenita, autosomal recessive 5; Pulmonary fibrosis and/or bone marrow failure, Telomere-related, 3. Last evaluated: 2023-12-11. Review status: criteria provided, single submitter. Criteria: Invitae Variant Classification Sherloc (09022015). Collection method: clinical testing. Allele origin: germline.
Comment: This sequence change creates a premature translational stop signal (p.Asn637Metfs*5) in the RTEL1 gene. It is expected to result in an absent or disrupted protein product. Loss-of-function variants in RTEL1 are known to be pathogenic (PMID: 23453664, 23959892, 25607374). This variant is not present in population databases (gnomAD no frequency). This variant has not been reported in the literature in individuals affected with RTEL1-related conditions. ClinVar contains an entry for this variant (Variation ID: 1904651). For these reasons, this variant has been classified as Pathogenic.

Cambridge Genomics Laboratory, East Genomic Laboratory Hub, NHS Genomic Medicine Service
Classification: Likely pathogenic for Pulmonary fibrosis. Last evaluated: 2019-08-01. Review status: criteria provided, single submitter. Criteria: ACGS Best Practice Guidelines for Variant Classification in Rare Disease 2020. Collection method: clinical testing. Allele origin: germline. Affected: yes. Observed: 1 variant allele.

Literature cited by the submitters: PubMed 23453664 (cited by Labcorp Genetics (formerly Invitae), Labcorp); PubMed 23959892 (cited by Labcorp Genetics (formerly Invitae), Labcorp); PubMed 25607374 (cited by Labcorp Genetics (formerly Invitae), Labcorp).